The following is an entry in ClinVar:

NM_000718.4(CACNA1B):c.4309-2A>G

Gene: CACNA1B (calcium voltage-gated channel subunit alpha1 B; plus strand). Cytogenetic location: 9q34.3.
Variant type: single nucleotide variant.
Coding change: c.4309-2A>G on transcript NM_000718.4 (MANE Select); the canonical splice acceptor site of the intron before coding-DNA position 4309, A replaced by G.
Molecular consequence: splice acceptor variant.
Genome position (GRCh38, 1-based): chr9:138,058,567, A>G. VCF-style: chr9-138058567-A-G. GRCh37 (hg19) VCF-style: chr9-140953019-A-G.
Other names: c.4309-2A>G (NM_001243812.2).
Identifiers: ClinVar variation 2703044 (VCV002703044.3), dbSNP rs2539458582, ClinGen allele CA375814392.

ClinVar aggregate classification (germline): Likely pathogenic (1 of 4 stars; one submission).

Submission:

Labcorp Genetics (formerly Invitae), Labcorp
Classification: Likely pathogenic. Last evaluated: 2023-12-14. Review status: criteria provided, single submitter. Criteria: Invitae Variant Classification Sherloc (09022015). Collection method: clinical testing. Allele origin: germline.
Comment: This sequence change affects an acceptor splice site in intron 28 of the CACNA1B gene. It is expected to disrupt RNA splicing. Variants that disrupt the donor or acceptor splice site typically lead to a loss of protein function (PMID: 16199547), and loss-of-function variants in CACNA1B are known to be pathogenic (PMID: 30982612). This variant is not present in population databases (gnomAD no frequency). This variant has not been reported in the literature in individuals affected with CACNA1B-related conditions. Algorithms developed to predict the effect of sequence changes on RNA splicing suggest that this variant may disrupt the consensus splice site. In summary, the currently available evidence indicates that the variant is pathogenic, but additional data are needed to prove that conclusively. Therefore, this variant has been classified as Likely Pathogenic.

Literature cited by the submitters: PubMed 16199547; PubMed 30982612.